The following is an entry in ClinVar:

NM_003072.5(SMARCA4):c.3554A>G (p.Gln1185Arg)

Gene: SMARCA4 (SWI/SNF related BAF chromatin remodeling complex subunit ATPase 4; plus strand). Cytogenetic location: 19p13.2.
Variant type: single nucleotide variant.
Coding change: c.3554A>G on transcript NM_003072.5 (MANE Select); coding-DNA position 3554, A replaced by G.
Protein change: p.Gln1185Arg; replaces glutamine 1185 with arginine.
Molecular consequence: missense variant. On other transcripts: non-coding transcript variant (1).
Genome position (GRCh38, 1-based): chr19:11,033,297, A>G. VCF-style: chr19-11033297-A-G. GRCh37 (hg19) VCF-style: chr19-11143973-A-G.
Other names: c.3554A>G, p.Gln1185Arg (NM_001128844.3, NM_001128845.2, NM_001128846.2 and 4 more transcripts); short protein forms Q1185R.
Identifiers: ClinVar variation 968819 (VCV000968819.9), dbSNP rs2075056831, ClinGen allele CA404065100.

ClinVar aggregate classification (germline): Uncertain significance (1 of 4 stars; one submission).

Conditions:
Rhabdoid tumor predisposition syndrome 2 (RTPS2). Identifiers: Orphanet 231108, Orphanet 69077, MedGen C2750074, MONDO:0013224, OMIM 613325.

Submission:

Labcorp Genetics (formerly Invitae), Labcorp
Classification: Uncertain significance for Rhabdoid tumor predisposition syndrome 2. Last evaluated: 2019-11-14. Review status: criteria provided, single submitter. Criteria: Invitae Variant Classification Sherloc (09022015). Collection method: clinical testing. Allele origin: germline.
Comment: In summary, the available evidence is currently insufficient to determine the role of this variant in disease. Therefore, it has been classified as a Variant of Uncertain Significance. Algorithms developed to predict the effect of missense changes on protein structure and function are either unavailable or do not agree on the potential impact of this missense change (SIFT: "Deleterious"; PolyPhen-2: "Possibly Damaging"; Align-GVGD: "Class C0"). This variant has not been reported in the literature in individuals with SMARCA4-related conditions. This variant is not present in population databases (ExAC no frequency). This sequence change replaces glutamine with arginine at codon 1185 of the SMARCA4 protein (p.Gln1185Arg). The glutamine residue is highly conserved and there is a small physicochemical difference between glutamine and arginine.